The following is an entry in ClinVar:

ClinVar aggregate classification (germline): Likely benign. Review status: criteria provided, multiple submitters, no conflicts (2 of 4 stars). 2 submissions from 2 submitters: Likely benign (2). Last evaluated 2026-02-01.

Allele frequency attached by ClinVar (database versions not stated): gnomAD 0.00001; TOPMed 0.00001; 1000 Genomes Project 30x 0.00016; 1000 Genomes Project 0.00020.
gnomAD v4.1: 14 of 1,613,958 alleles (0.00087%); highest among the groups gnomAD compares: Admixed American, 0.0017%; no homozygotes.

Submissions (2):

CeGaT Center for Human Genetics Tuebingen
Classification: Likely benign. Last evaluated: 2026-02-01. Review status: criteria provided, single submitter. Criteria: CeGaT Center For Human Genetics Tuebingen Variant Classification Criteria Version 2. Collection method: clinical testing. Allele origin: germline. Affected: yes. Observed: 1 variant allele.
Comment: MTOR: BP4, BP7

Labcorp Genetics (formerly Invitae), Labcorp
Classification: Likely benign. Last evaluated: 2025-05-05. Review status: criteria provided, single submitter. Criteria: Invitae Variant Classification Sherloc (09022015). Collection method: clinical testing. Allele origin: germline.

NM_004958.4(MTOR):c.6495C>T (p.Ser2165=)

Gene: MTOR (mechanistic target of rapamycin kinase; minus strand). Cytogenetic location: 1p36.22.
Variant type: single nucleotide variant.
Coding change: c.6495C>T on transcript NM_004958.4 (MANE Select); coding-DNA position 6495, C replaced by T.
Protein change: p.Ser2165=; no amino-acid change (serine 2165 retained).
Molecular consequence: synonymous variant.
Genome position (GRCh38, 1-based): chr1:11,126,653, G>A on the plus strand (C>T on the coding strand, the complement: MTOR is on the minus strand). VCF-style: chr1-11126653-G-A. GRCh37 (hg19) VCF-style: chr1-11186710-G-A.
Other names: c.6495C>T, p.Ser2165= (NM_001386500.1); c.5247C>T, p.Ser1749= (NM_001386501.1).
Identifiers: ClinVar variation 2744808 (VCV002744808.7), dbSNP rs187389317, ClinGen allele CA589087.
Genomic context (GRCh38, chr1:11,126,653, plus strand): 5'-GGGTGACAGAAGTGCACAATGGTCCTTACCCATAAGTGTCAATTTCCGGGGCCTCTGCTT[G>A]GATGTGATGACTTGCAAAGACGGTGCTATGGACTGAATGCGAATGATTGGCTGGTTGGGG-3'
Protein context (NP_004949.1, residues 2155-2175): SIAPSLQVIT[Ser2165=]KQRPRKLTLM